The following is an entry in ClinVar:

NM_012203.2(GRHPR):c.351_373del (p.Leu118fs)

Gene: GRHPR (glyoxylate and hydroxypyruvate reductase; plus strand). Cytogenetic location: 9p13.2.
Variant type: Deletion.
Coding change: c.351_373del on transcript NM_012203.2 (MANE Select); coding-DNA positions 351 to 373, 23 bases deleted (CCTGCTACTTACCACCTGCCGCC).
Protein change: p.Leu118fs; shifts the reading frame from leucine 118.
Molecular consequence: frameshift variant.
Genome position (GRCh38, 1-based): chr9:37,426,601-37,426,623, CCTGCTACTTACCACCTGCCGCC deleted; deleting any 23 consecutive bases within chr9:37,426,600-37,426,623 gives the same sequence; the c. name uses the placement nearest the transcript's 3' end. VCF-style (leftmost placement, unchanged base first): chr9-37426599-TCCCTGCTACTTACCACCTGCCGC-T. GRCh37 (hg19) VCF-style: chr9-37426596-TCCCTGCTACTTACCACCTGCCGC-T.
Other names: short protein forms L118fs.
Identifiers: ClinVar variation 2664418 (VCV002664418.1), dbSNP rs779996558, ClinGen allele CA5059011.

ClinVar aggregate classification (germline): Likely pathogenic (1 of 4 stars; one submission).

Conditions:
Primary hyperoxaluria, type II (HP2). Also called: OXALOSIS II; Primary hyperoxaluria type 2; D-GLYCERATE DEHYDROGENASE DEFICIENCY; GLYCERIC ACIDURIA; GLYOXYLATE REDUCTASE/HYDROXYPYRUVATE REDUCTASE DEFICIENCY. Identifiers: Orphanet 416, Orphanet 93599, MedGen C0268165, MONDO:0009824, OMIM 260000. Disease mechanism: loss of function.

Submission:

Clinical Biochemistry Laboratory, Health Services Laboratory
Classification: Likely pathogenic for Primary hyperoxaluria, type II. Last evaluated: 2023-10-27. Review status: criteria provided, single submitter. Criteria: ACMG Guidelines, 2015. Collection method: curation. Allele origin: germline.
Comment: ACMG:PVS1 PM2 PM4